The following is an entry in ClinVar:

NM_004237.4(TRIP13):c.1203G>A (p.Gln401=)

Gene: TRIP13 (thyroid hormone receptor interactor 13; plus strand). Cytogenetic location: 5p15.33.
Variant type: single nucleotide variant.
Coding change: c.1203G>A on transcript NM_004237.4 (MANE Select); coding-DNA position 1203, G replaced by A.
Protein change: p.Gln401=; no amino-acid change (glutamine 401 retained).
Molecular consequence: synonymous variant.
Genome position (GRCh38, 1-based): chr5:915,973, G>A. VCF-style: chr5-915973-G-A. GRCh37 (hg19) VCF-style: chr5-916088-G-A.
Identifiers: ClinVar variation 2705875 (VCV002705875.3), dbSNP rs749017084, ClinGen allele CA442974890.

ClinVar aggregate classification (germline): Uncertain significance (1 of 4 stars; one submission).

Submission:

Labcorp Genetics (formerly Invitae), Labcorp
Classification: Uncertain significance. Last evaluated: 2023-12-27. Review status: criteria provided, single submitter. Criteria: Invitae Variant Classification Sherloc (09022015). Collection method: clinical testing. Allele origin: germline.
Comment: This sequence change affects codon 401 of the TRIP13 mRNA. It is a 'silent' change, meaning that it does not change the encoded amino acid sequence of the TRIP13 protein. This variant also falls at the last nucleotide of exon 12, which is part of the consensus splice site for this exon. This variant is not present in population databases (gnomAD no frequency). This variant has not been reported in the literature in individuals affected with TRIP13-related conditions. Variants that disrupt the consensus splice site are a relatively common cause of aberrant splicing (PMID: 17576681, 9536098). Algorithms developed to predict the effect of sequence changes on RNA splicing suggest that this variant is not likely to affect RNA splicing. In summary, the available evidence is currently insufficient to determine the role of this variant in disease. Therefore, it has been classified as a Variant of Uncertain Significance.

Literature cited by the submitters: PubMed 17576681; PubMed 9536098.